The following is an entry in ClinVar:

ClinVar aggregate classification (germline): Likely benign. Review status: criteria provided, multiple submitters, no conflicts (2 of 4 stars). 2 submissions from 2 submitters: Likely benign (2). Last evaluated 2025-12-01.

gnomAD v4.1: 24 of 1,613,530 alleles (0.0015%); highest among the groups gnomAD compares: Middle Eastern, 0.016%; no homozygotes.

Submissions (2):

CeGaT Center for Human Genetics Tuebingen
Classification: Likely benign. Last evaluated: 2025-12-01. Review status: criteria provided, single submitter. Criteria: CeGaT Center For Human Genetics Tuebingen Variant Classification Criteria Version 2. Collection method: clinical testing. Allele origin: germline. Affected: yes. Observed: 1 variant allele.
Comment: TBX15: BP4, BP7

Labcorp Genetics (formerly Invitae), Labcorp
Classification: Likely benign. Last evaluated: 2025-11-26. Review status: criteria provided, single submitter. Criteria: Invitae Variant Classification Sherloc (09022015). Collection method: clinical testing. Allele origin: germline.

NM_001330677.2(TBX15):c.993C>T (p.Phe331=)

Gene: TBX15 (T-box transcription factor 15; minus strand). Cytogenetic location: 1p12.
Variant type: single nucleotide variant.
Coding change: c.993C>T on transcript NM_001330677.2 (MANE Select); coding-DNA position 993, C replaced by T.
Protein change: p.Phe331=; no amino-acid change (phenylalanine 331 retained).
Molecular consequence: synonymous variant.
Genome position (GRCh38, 1-based): chr1:118,899,059, G>A on the plus strand (C>T on the coding strand, the complement: TBX15 is on the minus strand). VCF-style: chr1-118899059-G-A. GRCh37 (hg19) VCF-style: chr1-119441682-G-A.
Other names: c.675C>T, p.Phe225= (NM_152380.3).
Identifiers: ClinVar variation 4748222 (VCV004748222.5).